The following is an entry in ClinVar:

NM_002246.3(KCNK3):c.102G>T (p.Glu34Asp)

Gene: KCNK3 (potassium two pore domain channel subfamily K member 3; plus strand). Cytogenetic location: 2p23.3.
Variant type: single nucleotide variant.
Coding change: c.102G>T on transcript NM_002246.3 (MANE Select); coding-DNA position 102, G replaced by T.
Protein change: p.Glu34Asp; replaces glutamic acid 34 with aspartic acid.
Molecular consequence: missense variant.
Genome position (GRCh38, 1-based): chr2:26,692,977, G>T. VCF-style: chr2-26692977-G-T. GRCh37 (hg19) VCF-style: chr2-26915845-G-T.
Other names: short protein forms E34D.
Identifiers: ClinVar variation 1714621 (VCV001714621.5), dbSNP rs2465285130, ClinGen allele CA346261028.

ClinVar aggregate classification (germline): Uncertain significance (1 of 4 stars; one submission).

Conditions:
Pulmonary hypertension, primary, 4. Identifiers: Orphanet 422, MedGen C3809198, MONDO:0014136, OMIM 615344.

Submission:

Labcorp Genetics (formerly Invitae), Labcorp
Classification: Uncertain significance for Pulmonary hypertension, primary, 4. Last evaluated: 2022-07-31. Review status: criteria provided, single submitter. Criteria: Invitae Variant Classification Sherloc (09022015). Collection method: clinical testing. Allele origin: germline.
Comment: In summary, the available evidence is currently insufficient to determine the role of this variant in disease. Therefore, it has been classified as a Variant of Uncertain Significance. Algorithms developed to predict the effect of missense changes on protein structure and function are either unavailable or do not agree on the potential impact of this missense change (SIFT: "Tolerated"; PolyPhen-2: "Probably Damaging"; Align-GVGD: "Class C0"). This variant has not been reported in the literature in individuals affected with KCNK3-related conditions. This variant is not present in population databases (gnomAD no frequency). This sequence change replaces glutamic acid, which is acidic and polar, with aspartic acid, which is acidic and polar, at codon 34 of the KCNK3 protein (p.Glu34Asp).